The following is an entry in ClinVar:

NM_000059.4(BRCA2):c.7211A>G (p.Lys2404Arg)

Gene: BRCA2 (BRCA2 DNA repair associated; plus strand). Cytogenetic location: 13q13.1.
Variant type: single nucleotide variant.
Coding change: c.7211A>G on transcript NM_000059.4 (MANE Select); coding-DNA position 7211, A replaced by G.
Protein change: p.Lys2404Arg; replaces lysine 2404 with arginine.
Molecular consequence: missense variant.
Genome position (GRCh38, 1-based): chr13:32,355,064, A>G. VCF-style: chr13-32355064-A-G. GRCh37 (hg19) VCF-style: chr13-32929201-A-G.
Other names: c.7115A>G, p.Lys2372Arg (NM_001406719.1); c.7211A>G, p.Lys2404Arg (NM_001406720.1); c.2279A>G, p.Lys760Arg (NM_001406721.1); c.794A>G, p.Lys265Arg (NM_001406722.1); short protein forms K2372R, K2404R, K265R, K760R.
Identifiers: ClinVar variation 1757736 (VCV001757736.2), dbSNP rs1593918055, ClinGen allele CA387739986.
Genomic context (GRCh38, chr13:32,355,064, plus strand): 5'-AAGTTTCTGCTACAAGAAATGAAAAAATGAGACACTTGATTACTACAGGCAGACCAACCA[A>G]AGTCTTTGTTCCACCTTTTAAAACTAAATCACATTTTCACAGAGTTGAACAGTGTGTTAG-3'
Protein context (NP_000050.3, residues 2394-2414): RHLITTGRPT[Lys2404Arg]VFVPPFKTKS

ClinVar aggregate classification (germline): Uncertain significance (1 of 4 stars; one submission).

Conditions:
Hereditary cancer-predisposing syndrome. Also called: Neoplastic Syndromes, Hereditary; Tumor predisposition; Hereditary Cancer Syndrome; Hereditary neoplastic syndrome. Identifiers: Orphanet 140162, MedGen C0027672, MeSH D009386, MONDO:0015356.

Submission:

Ambry Genetics
Classification: Uncertain significance for Hereditary cancer-predisposing syndrome. Last evaluated: 2020-12-23. Review status: criteria provided, single submitter. Criteria: Ambry Variant Classification Scheme 2023. Collection method: clinical testing. Allele origin: germline.
Comment: The p.K2404R variant (also known as c.7211A>G), located in coding exon 13 of the BRCA2 gene, results from an A to G substitution at nucleotide position 7211. The lysine at codon 2404 is replaced by arginine, an amino acid with highly similar properties. This variant was detected in a cohort of 350 Swiss breast and/or ovarian cancer families and not in 100 controls without personal or family history of breast or ovarian cancer (Maillet P et al. Cancer Genet Cytogenet, 2006 Aug;169:62-8). This amino acid position is highly conserved in available vertebrate species. In addition, the in silico prediction for this alteration is inconclusive. Since supporting evidence is limited at this time, the clinical significance of this alteration remains unclear.

Literature cited by the submitters: PubMed 16875939.